The following is an entry in ClinVar:

NM_005257.6(GATA6):c.1653G>C (p.Glu551Asp)

Gene: GATA6 (GATA binding protein 6; plus strand). Cytogenetic location: 18q11.2.
Variant type: single nucleotide variant.
Coding change: c.1653G>C on transcript NM_005257.6 (MANE Select); coding-DNA position 1653, G replaced by C.
Protein change: p.Glu551Asp; replaces glutamic acid 551 with aspartic acid.
Molecular consequence: missense variant.
Genome position (GRCh38, 1-based): chr18:22,200,688, G>C. VCF-style: chr18-22200688-G-C. GRCh37 (hg19) VCF-style: chr18-19780651-G-C.
Other names: c.1653G>C (NM_005257.4, NM_005257.3); short protein forms E551D.
Identifiers: ClinVar variation 540129 (VCV000540129.10), dbSNP rs564934973, ClinGen allele CA297168766.

ClinVar aggregate classification (germline): Uncertain significance. Review status: criteria provided, multiple submitters, no conflicts (2 of 4 stars). 3 submissions from 3 submitters: Uncertain significance (3). Last evaluated 2025-08-17.

Conditions:
Atrioventricular septal defect 5 (AVSD5). Identifiers: MedGen C3280939, MONDO:0013769, OMIM 614474.
Inborn genetic diseases. Identifiers: MedGen C0950123, MeSH D030342.

Allele frequency attached by ClinVar (database versions not stated): TOPMed 0.00001.

Submissions (3):

Labcorp Genetics (formerly Invitae), Labcorp
Classification: Uncertain significance for Atrioventricular septal defect 5. Last evaluated: 2025-08-17. Review status: criteria provided, single submitter. Criteria: Invitae Variant Classification Sherloc (09022015). Collection method: clinical testing. Allele origin: germline.
Comment: This sequence change replaces glutamic acid, which is acidic and polar, with aspartic acid, which is acidic and polar, at codon 551 of the GATA6 protein (p.Glu551Asp). This variant is present in population databases (no rsID available, gnomAD 0.007%). This variant has not been reported in the literature in individuals affected with GATA6-related conditions. ClinVar contains an entry for this variant (Variation ID: 540129). Invitae Evidence Modeling of protein sequence and biophysical properties (such as structural, functional, and spatial information, amino acid conservation, physicochemical variation, residue mobility, and thermodynamic stability) indicates that this missense variant is not expected to disrupt GATA6 protein function with a negative predictive value of 80%. In summary, the available evidence is currently insufficient to determine the role of this variant in disease. Therefore, it has been classified as a Variant of Uncertain Significance.

GeneDx
Classification: Uncertain significance. Last evaluated: 2024-11-26. Review status: criteria provided, single submitter. Criteria: GeneDx Variant Classification Process June 2021. Collection method: clinical testing. Allele origin: germline. Affected: yes.
Comment: Not observed at significant frequency in large population cohorts (gnomAD); In silico analysis indicates that this missense variant does not alter protein structure/function; Has not been previously published as pathogenic or benign to our knowledge

Ambry Genetics
Classification: Uncertain significance for Inborn genetic diseases. Last evaluated: 2024-11-15. Review status: criteria provided, single submitter. Criteria: Ambry Variant Classification Scheme 2023. Collection method: clinical testing. Allele origin: germline.